The following is an entry in ClinVar:

ClinVar aggregate classification (germline): Uncertain significance (1 of 4 stars; one submission).

Submission:

Labcorp Genetics (formerly Invitae), Labcorp
Classification: Uncertain significance. Last evaluated: 2021-06-12. Review status: criteria provided, single submitter. Criteria: Invitae Variant Classification Sherloc (09022015). Collection method: clinical testing. Allele origin: germline.
Comment: This variant, c.2146_2148del, results in the deletion of 1 amino acid(s) of the AK7 protein (p.Phe716del), but otherwise preserves the integrity of the reading frame. This variant is present in population databases (rs761068887, ExAC 0.03%). This variant has not been reported in the literature in individuals with AK7-related conditions. Experimental studies and prediction algorithms are not available or were not evaluated, and the functional significance of this variant is currently unknown. In summary, the available evidence is currently insufficient to determine the role of this variant in disease. Therefore, it has been classified as a Variant of Uncertain Significance.

NM_152327.5(AK7):c.2146_2148del (p.Phe716del)

Gene: AK7 (adenylate kinase 7; plus strand). Cytogenetic location: 14q32.2.
Variant type: Deletion.
Coding change: c.2146_2148del on transcript NM_152327.5 (MANE Select); coding-DNA positions 2146 to 2148, 3 bases deleted (TTC; older notation c.2146_2148delTTC).
Protein change: p.Phe716del; deletes phenylalanine 716.
Molecular consequence: inframe deletion. On other transcripts: 3 prime UTR variant (1).
Genome position (GRCh38, 1-based): chr14:96,488,317-96,488,319, TTC deleted; deleting any 3 consecutive bases within chr14:96,488,315-96,488,319 gives the same sequence; the c. name uses the placement nearest the transcript's 3' end. VCF-style (leftmost placement, unchanged base first): chr14-96488314-CTCT-C. GRCh37 (hg19) VCF-style: chr14-96954651-CTCT-C.
Other names: c.*300_*302del (NM_001350888.2); c.2077_2079del, p.Phe693del (NM_001350890.2); c.2068_2070del, p.Phe690del (NM_001350891.2); c.1948_1950del, p.Phe650del (NM_001350892.2); short protein forms F690del, F650del, F693del, F716del.
Identifiers: ClinVar variation 1362587 (VCV001362587.8), dbSNP rs761068887, ClinGen allele CA7338085.